The following is an entry in ClinVar:

NM_004247.4(EFTUD2):c.224C>T (p.Pro75Leu)

Gene: EFTUD2 (elongation factor Tu GTP binding domain containing 2; minus strand). Cytogenetic location: 17q21.31.
Variant type: single nucleotide variant.
Coding change: c.224C>T on transcript NM_004247.4 (MANE Select); coding-DNA position 224, C replaced by T.
Protein change: p.Pro75Leu; replaces proline 75 with leucine.
Molecular consequence: missense variant.
Genome position (GRCh38, 1-based): chr17:44,886,632, G>A on the plus strand (C>T on the coding strand, the complement: EFTUD2 is on the minus strand). VCF-style: chr17-44886632-G-A. GRCh37 (hg19) VCF-style: chr17-42964000-G-A.
Other names: c.119C>T, p.Pro40Leu (NM_001142605.2); c.224C>T, p.Pro75Leu (NM_001258353.2, NM_001258354.2); short protein forms P40L, P75L.
Identifiers: ClinVar variation 4762095 (VCV004762095.1).

ClinVar aggregate classification (germline): Uncertain significance (1 of 4 stars; one submission).

gnomAD v4.1: 3 of 1,614,004 alleles (0.00019%); highest among the groups gnomAD compares: African/African-American, 0.004%; no homozygotes.

Submission:

Labcorp Genetics (formerly Invitae), Labcorp
Classification: Uncertain significance. Last evaluated: 2025-05-18. Review status: criteria provided, single submitter. Criteria: Invitae Variant Classification Sherloc (09022015). Collection method: clinical testing. Allele origin: germline.
Comment: This sequence change replaces proline, which is neutral and non-polar, with leucine, which is neutral and non-polar, at codon 75 of the EFTUD2 protein (p.Pro75Leu). This variant is present in population databases (no rsID available, gnomAD 0.007%). This variant has not been reported in the literature in individuals affected with EFTUD2-related conditions. An algorithm developed to predict the effect of missense changes on protein structure and function (PolyPhen-2) suggests that this variant is likely to be tolerated. In summary, the available evidence is currently insufficient to determine the role of this variant in disease. Therefore, it has been classified as a Variant of Uncertain Significance.